The following is an entry in ClinVar:

ClinVar aggregate classification (germline): Uncertain significance. Review status: criteria provided, multiple submitters, no conflicts (2 of 4 stars). 4 submissions from 4 submitters: Uncertain significance (4). Last evaluated 2025-05-12.

Conditions:
Arrhythmogenic right ventricular cardiomyopathy (ARVD). Also called: Cardiomyopathy, ARVC; Arrhythmogenic right ventricular dysplasia; Arrhythmogenic Right Ventricular Cardiomyopathy (ARVC); Arrhythmogenic cardiomyopathy. Identifiers: Orphanet 247, MedGen C0349788, MeSH D019571, MONDO:0016587. Disease mechanism: loss of function. Inheritance: Various modes of inheritance.
Cardiomyopathy (CMYO). Also called: Cardiomyopathies. Identifiers: Orphanet 167848, MedGen C0878544, MONDO:0004994, HP:0001638. Inheritance: Various modes of inheritance.
Cardiovascular phenotype. Identifiers: MedGen CN230736.
Arrhythmogenic right ventricular dysplasia 9 (ARVD9). Also called: Arrhythmogenic Right Ventricular Dysplasia/Cardiomyopathy 9; ARRHYTHMOGENIC RIGHT VENTRICULAR DYSPLASIA, FAMILIAL, 9. Identifiers: MedGen C1836906, MONDO:0012180, OMIM 609040.

Submissions (4):

Labcorp Genetics (formerly Invitae), Labcorp
Classification: Uncertain significance for Arrhythmogenic right ventricular dysplasia 9. Last evaluated: 2025-05-12. Review status: criteria provided, single submitter. Criteria: Invitae Variant Classification Sherloc (09022015). Collection method: clinical testing. Allele origin: germline.
Comment: This sequence change replaces glycine, which is neutral and non-polar, with arginine, which is basic and polar, at codon 646 of the PKP2 protein (p.Gly646Arg). This variant is not present in population databases (gnomAD no frequency). This variant has not been reported in the literature in individuals affected with PKP2-related conditions. ClinVar contains an entry for this variant (Variation ID: 1433995). An algorithm developed to predict the effect of missense changes on protein structure and function (PolyPhen-2) suggests that this variant is likely to be disruptive. In summary, the available evidence is currently insufficient to determine the role of this variant in disease. Therefore, it has been classified as a Variant of Uncertain Significance.

Color Diagnostics, LLC DBA Color Health
Classification: Uncertain significance for Cardiomyopathy. Last evaluated: 2024-06-12. Review status: criteria provided, single submitter. Criteria: ACMG Guidelines, 2015. Collection method: clinical testing. Allele origin: germline.
Comment: This missense variant replaces glycine with arginine at codon 646 of the PKP2 protein. Computational prediction suggests that this variant may not impact protein structure and function (internally defined REVEL score threshold <= 0.5, PMID: 27666373). To our knowledge, functional studies have not been reported for this variant. This variant has not been reported in individuals affected with PKP2-related disorders in the literature. This variant has not been identified in the general population by the Genome Aggregation Database (gnomAD). The available evidence is insufficient to determine the role of this variant in disease conclusively. Therefore, this variant is classified as a Variant of Uncertain Significance.

All of Us Research Program, National Institutes of Health
Classification: Uncertain significance for Arrhythmogenic right ventricular cardiomyopathy. Last evaluated: 2024-03-05. Review status: criteria provided, single submitter. Criteria: ACMG Guidelines, 2015. Collection method: clinical testing. Allele origin: germline. Inheritance: Autosomal dominant inheritance. Observed: 1 variant allele, 1 heterozygote.
Comment: This study involves interpretation of variants in research participants for the purpose of population health screening. Participant phenotype was not available at the time of variant classification. Additional details can be found in publication PMID: 35346344, PMCID: PMC8962531

Ambry Genetics
Classification: Uncertain significance for Cardiovascular phenotype. Last evaluated: 2022-04-03. Review status: criteria provided, single submitter. Criteria: Ambry Variant Classification Scheme 2023. Collection method: clinical testing. Allele origin: germline.
Comment: The p.G646R variant (also known as c.1936G>A), located in coding exon 9 of the PKP2 gene, results from a G to A substitution at nucleotide position 1936. The glycine at codon 646 is replaced by arginine, an amino acid with dissimilar properties. This amino acid position is conserved. In addition, this alteration is predicted to be deleterious by in silico analysis. Since supporting evidence is limited at this time, the clinical significance of this alteration remains unclear.

NM_001005242.3(PKP2):c.1804G>A (p.Gly602Arg)

Gene: PKP2 (plakophilin 2; minus strand). Cytogenetic location: 12p11.21.
Variant type: single nucleotide variant.
Coding change: c.1804G>A on transcript NM_001005242.3 (MANE Select); coding-DNA position 1804, G replaced by A.
Protein change: p.Gly602Arg; replaces glycine 602 with arginine.
Molecular consequence: missense variant.
Genome position (GRCh38, 1-based): chr12:32,822,502, C>T on the plus strand (G>A on the coding strand, the complement: PKP2 is on the minus strand). VCF-style: chr12-32822502-C-T. GRCh37 (hg19) VCF-style: chr12-32975436-C-T.
Other names: c.1936G>A, p.Gly646Arg (NM_004572.4); short protein forms G646R, G602R.
Identifiers: ClinVar variation 1433995 (VCV001433995.10), dbSNP rs960192135, ClinGen allele CA235238695.